The following is an entry in ClinVar:

ClinVar aggregate classification (germline): Uncertain significance. Review status: criteria provided, multiple submitters, no conflicts (2 of 4 stars). 3 submissions from 3 submitters: Uncertain significance (3). Last evaluated 2024-04-22.

Conditions:
Hereditary cancer-predisposing syndrome. Also called: Hereditary neoplastic syndrome; Neoplastic Syndromes, Hereditary; Tumor predisposition; Hereditary Cancer Syndrome. Identifiers: Orphanet 140162, MedGen C0027672, MeSH D009386, MONDO:0015356.
Microcephaly, normal intelligence and immunodeficiency (NBS). Also called: IMMUNODEFICIENCY, MICROCEPHALY, AND CHROMOSOMAL INSTABILITY; SEEMANOVA SYNDROME II; Nijmegen breakage syndrome; Microcephaly with normal intelligence immunodeficiency and lymphoreticular malignancies; Nonsyndromal microcephaly autosomal recessive with normal intelligence; Seemanova syndrome 2. Identifiers: Orphanet 647, MedGen C0398791, MONDO:0009623, OMIM 251260.

Allele frequency attached by ClinVar (database versions not stated): gnomAD exomes below 0.00001.

Submissions (3):

Labcorp Genetics (formerly Invitae), Labcorp
Classification: Uncertain significance for Microcephaly, normal intelligence and immunodeficiency. Last evaluated: 2024-04-22. Review status: criteria provided, single submitter. Criteria: Invitae Variant Classification Sherloc (09022015). Collection method: clinical testing. Allele origin: germline.
Comment: This sequence change replaces alanine, which is neutral and non-polar, with glycine, which is neutral and non-polar, at codon 127 of the NBN protein (p.Ala127Gly). This variant is not present in population databases (gnomAD no frequency). This variant has not been reported in the literature in individuals affected with NBN-related conditions. ClinVar contains an entry for this variant (Variation ID: 461560). An algorithm developed to predict the effect of missense changes on protein structure and function (PolyPhen-2) suggests that this variant is likely to be tolerated. In summary, the available evidence is currently insufficient to determine the role of this variant in disease. Therefore, it has been classified as a Variant of Uncertain Significance.

Ambry Genetics
Classification: Uncertain significance for Hereditary cancer-predisposing syndrome. Last evaluated: 2023-11-06. Review status: criteria provided, single submitter. Criteria: Ambry Variant Classification Scheme 2023. Collection method: clinical testing. Allele origin: germline.
Comment: The p.A127G variant (also known as c.380C>G), located in coding exon 4 of the NBN gene, results from a C to G substitution at nucleotide position 380. The alanine at codon 127 is replaced by glycine, an amino acid with similar properties. This amino acid position is not well conserved in available vertebrate species. In addition, this alteration is predicted to be tolerated by in silico analysis. Since supporting evidence is limited at this time, the clinical significance of this alteration remains unclear.

Quest Diagnostics Nichols Institute San Juan Capistrano
Classification: Uncertain significance. Last evaluated: 2023-09-06. Review status: criteria provided, single submitter. Criteria: Quest Diagnostics criteria. Collection method: clinical testing. Allele origin: unknown.
Comment: This variant has not been reported in the published literature. It also has not been reported in large, multi-ethnic general populations (Genome Aggregation Database). Analysis of this variant using bioinformatics tools for the prediction of the effect of amino acid changes on protein structure and function yielded conflicting predictions that this variant is benign or damaging. Based on the available information, we are unable to determine the clinical significance of this variant.

NM_002485.5(NBN):c.380C>G (p.Ala127Gly)

Gene: NBN (nibrin; minus strand). Cytogenetic location: 8q21.3.
Variant type: single nucleotide variant.
Coding change: c.380C>G on transcript NM_002485.5 (MANE Select); coding-DNA position 380, C replaced by G.
Protein change: p.Ala127Gly; replaces alanine 127 with glycine.
Molecular consequence: missense variant.
Genome position (GRCh38, 1-based): chr8:89,980,834, G>C on the plus strand (C>G on the coding strand, the complement: NBN is on the minus strand). VCF-style: chr8-89980834-G-C. GRCh37 (hg19) VCF-style: chr8-90993062-G-C.
Other names: c.134C>G, p.Ala45Gly (NM_001024688.3); short protein forms A127G, A45G.
Identifiers: ClinVar variation 461560 (VCV000461560.12), dbSNP rs1554567966, ClinGen allele CA371662000.